The following is an entry in ClinVar:

NM_001148.6(ANK2):c.6673A>G (p.Ile2225Val)

Gene: ANK2 (ankyrin 2; plus strand). Cytogenetic location: 4q26.
Variant type: single nucleotide variant.
Coding change: c.6673A>G on transcript NM_001148.6 (MANE Select); coding-DNA position 6673, A replaced by G.
Protein change: p.Ile2225Val; replaces isoleucine 2225 with valine.
Molecular consequence: missense variant. On other transcripts: intron variant (68).
Genome position (GRCh38, 1-based): chr4:113,355,291, A>G. VCF-style: chr4-113355291-A-G. GRCh37 (hg19) VCF-style: chr4-114276447-A-G.
Other names: c.6439A>G, p.Ile2147Val (NM_001386142.1); c.3073A>G, p.Ile1025Val (NM_001386166.1); c.4207+5042A>G (NM_001386153.1, NM_001386146.1, NM_001386150.1 and 1 more transcripts); c.4192+5042A>G (NM_001354274.2, NM_001386154.1); c.4141+5042A>G (NM_001386151.1, NM_001354260.2, NM_001354271.2); c.4042+5042A>G (NM_001386157.1, NM_001354277.2); c.4360+5042A>G (NM_001386161.1, NM_001354244.2, NM_001354256.2); c.4285+5042A>G (NM_001354261.2); and 35 more; short protein forms I2147V, I2225V, I2272V, I2264V, I1025V.
Identifiers: ClinVar variation 3648409 (VCV003648409.2).

ClinVar aggregate classification (germline): Uncertain significance (1 of 4 stars; one submission).

Conditions:
Long QT syndrome (LQTS). Identifiers: MedGen C0023976, MeSH D008133, MONDO:0002442. Disease mechanism: loss of function. Inheritance: Various modes of inheritance.

gnomAD v4.1: 2 of 1,613,940 alleles (0.00012%); highest among the groups gnomAD compares: Non-Finnish European, 0.00017%; no homozygotes.

Submission:

Labcorp Genetics (formerly Invitae), Labcorp
Classification: Uncertain significance for Long QT syndrome. Last evaluated: 2024-07-03. Review status: criteria provided, single submitter. Criteria: Invitae Variant Classification Sherloc (09022015). Collection method: clinical testing. Allele origin: germline.
Comment: This sequence change replaces isoleucine, which is neutral and non-polar, with valine, which is neutral and non-polar, at codon 2225 of the ANK2 protein (p.Ile2225Val). This variant is not present in population databases (gnomAD no frequency). This variant has not been reported in the literature in individuals affected with ANK2-related conditions. Algorithms developed to predict the effect of missense changes on protein structure and function output the following: SIFT: "Not Available"; PolyPhen-2: "Benign"; Align-GVGD: "Not Available". The valine amino acid residue is found in multiple mammalian species, which suggests that this missense change does not adversely affect protein function. In summary, the available evidence is currently insufficient to determine the role of this variant in disease. Therefore, it has been classified as a Variant of Uncertain Significance.